The following is an entry in ClinVar:

ClinVar aggregate classification (germline): Conflicting classifications of pathogenicity. Review status: criteria provided, conflicting classifications (1 of 4 stars). 15 submissions from 14 submitters: Pathogenic (2); Likely pathogenic (4); Uncertain significance (8). 1 of the submissions does not count toward it. Last evaluated 2026-09-17.

Conditions:
PKHD1-related disorder. Also called: PKHD1-related condition.
Autosomal recessive polycystic kidney disease (ARPKD). Also called: AR polycystic kidney disease. Identifiers: Orphanet 731, Orphanet 8378, MedGen C0085548, MeSH D017044, MONDO:0009889.
Biliary tract abnormality. Identifiers: MedGen C0549613, MONDO:0004868, HP:0001080.
Polycystic kidney disease 4 (PKD4). Also called: Autosomal Recessive Polycystic Kidney Disease – PKHD1; PKD3; POLYCYSTIC KIDNEY DISEASE 4 WITH OR WITHOUT POLYCYSTIC LIVER DISEASE; POLYCYSTIC KIDNEY AND HEPATIC DISEASE 1; POLYCYSTIC KIDNEY DISEASE, INFANTILE, TYPE I. Identifiers: MedGen C4540575, MONDO:0033004, OMIM 263200.

Allele frequency attached by ClinVar (database versions not stated): TOPMed 0.00003; gnomAD 0.00004; gnomAD exomes 0.00005 and 0.00008; ExAC 0.00006; ESP Exome Variant Server 0.00008.
gnomAD v4.1: 113 of 1,611,184 alleles (0.007%); highest among the groups gnomAD compares: Non-Finnish European, 0.0093%; no homozygotes.

Submissions 1 to 11 of 15:

PreventionGenetics, part of Exact Sciences
Classification: Uncertain significance for PKHD1-related condition. Last evaluated: 2026-09-17. Review status: criteria provided, single submitter. Criteria: ACMG Guidelines, 2015. Collection method: clinical testing. Allele origin: germline.
Comment: The PKHD1 c.2414C>T variant is predicted to result in the amino acid substitution p.Pro805Leu. This variant has been reported in the compound heterozygous state, predominantly as a complex allele in cis with c.9530T>C; p.Ile3177Thr, in at least ten individuals with autosomal recessive polycystic kidney disease (ARPKD) (see for example, Losekoot et al. 2005. PubMed ID: 16133180; Table S2, Denamur et al. 2010. PubMed ID: 19940839; Rossetti et al. 2003. PubMed ID: 12846734; Internal Data, PreventionGenetics). This variant is reported in 0.011% of alleles in individuals of European (non-Finnish) descent in gnomAD and has been commonly reported on the same haplotype with p.Ile3177Thr in gnomAD and in the literature, collectively referred to as p.[Pro805Leu;Ile3177Thr]. The c.2414C>T (p.Pro805Leu) variant has conflicting classifications listed in ClinVar ranging from uncertain to pathogenic (ClinVar ID: 377354). The haplotype p.[Pro805Leu;Ile3177Thr] is considered to be pathogenic; however, the contribution of each variant individually is unknown. Although we suspect the c.2414C>T (p.Pro805Leu) variant may be pathogenic, at this time, the clinical significance of this variant individually [without the c.9530T>C (p.Ile3177Thr) variant] is uncertain due to the absence of conclusive functional and genetic evidence.

Otogenetics
Classification: Uncertain significance for Autosomal recessive polycystic kidney disease. Last evaluated: 2026-01-27. Review status: criteria provided, single submitter. Criteria: ACMG Guidelines, 2015. Collection method: clinical testing. Allele origin: germline.
Comment: Complex allele PKHD1 [c.2414 C>T/c.9530 T>C] is classified as likely pathogenic when the variants are confirmed in cis. PM2: Maximum gnomAD MAF of 0.0093% in European-Non Finnish (NFE) subpopulation (<0.251% threshold); PM3_VeryStrong: Complex allele [c.2414 C>T/c.9530 T>C] reported in trans with multiple pathogenic variants in numerous individuals affected with early onset polycystic kidney disease (PMID: 15698423, 16133180, 18503009, 19940839)

Victorian Clinical Genetics Services, Murdoch Childrens Research Institute
Classification: Likely pathogenic for Polycystic kidney disease 4. Last evaluated: 2026-01-14. Review status: criteria provided, single submitter. Criteria: ACMG Guidelines, 2015. Collection method: clinical testing. Allele origin: germline. Affected: yes.
Comment: This variant is classified as Likely pathogenic. Evidence in support of pathogenic classification: Variant is present in gnomAD <0.01 (v4: 113 heterozygote(s), 0 homozygote(s)); This variant has moderate previous evidence of pathogenicity in unrelated individuals. This variant has been classified as pathogenic, likely pathogenic and VUS by multiple clinical laboratories and is commonly reported in cis with p.(Ile3177Thr) in multiple affected individuals with ARPKD. In the majority of these individuals, a second hit has also been reported (PMID: 12846734, 15108281, 15698423, 16133180, 30650191). Additionally, this variant has been reported as a single hit in a deceased individual with suspected ARPKD and in another individual with MODY and kidney malformations who is also heterozygous for the p.(Ile3177Thr) variant (phasing unknown) (PMID: 12506140, 30259503). Additional information: Variant is predicted to result in a missense amino acid change from Pro to Leu; This variant is heterozygous; This gene is associated with autosomal recessive disease; however, there are emerging reports of heterozygous carriers of PKHD1 variants developing liver cysts and nephrocalcinosis (PMID: 21945273, 36691356); An alternative amino acid change at the same position is present in gnomAD (highest allele count: v4: 1 heterozygote(s), 0 homozygote(s)); No published evidence of segregation with disease has been identified for this variant; No published functional evidence has been identified for this variant; No comparable missense variants have previous evidence for pathogenicity; Variant is not located in an established domain, motif, hotspot or informative constraint region; Missense variant with inconclusive in silico prediction and/or uninformative conservation; Loss of function is a known mechanism of disease in this gene and is associated with polycystic kidney disease 4, with or without hepatic disease (MIM#263200); Variants in this gene are known to have variable expressivity. Significant intrafamilial variability has been reported (PMID: 20301501); Inheritance information for this variant is not currently available in this individual.

Labcorp Genetics (formerly Invitae), Labcorp
Classification: Uncertain significance for Autosomal recessive polycystic kidney disease. Last evaluated: 2025-11-23. Review status: criteria provided, single submitter. Criteria: Invitae Variant Classification Sherloc (09022015). Collection method: clinical testing. Allele origin: germline.
Comment: This sequence change replaces proline, which is neutral and non-polar, with leucine, which is neutral and non-polar, at codon 805 of the PKHD1 protein (p.Pro805Leu). This variant is present in population databases (rs199531851, gnomAD 0.01%). This variant has been observed on the same chromosome with another PKHD1 variant (p.Ile3177Thr) in individuals affected with polycystic kidney disease (PMID: 16133180, 15108281, 18503009, 19940839). The haplotype (Pro805Leu; Ile3177Thr) has been observed on the opposite chromosome from other pathogenic variants in an individuals affected with polycystic kidney disease (PMID: 12846734, 15108281, internal data). ClinVar contains an entry for this variant (Variation ID: 377354). Invitae Evidence Modeling of protein sequence and biophysical properties (such as structural, functional, and spatial information, amino acid conservation, physicochemical variation, residue mobility, and thermodynamic stability) indicates that this missense variant is expected to disrupt PKHD1 protein function with a positive predictive value of 95%. In summary, the available evidence is currently insufficient to determine the role of this variant in disease. Therefore, it has been classified as a Variant of Uncertain Significance.

Natera, Inc.
Classification: Likely pathogenic for Autosomal recessive polycystic kidney disease. Last evaluated: 2025-10-28. Review status: criteria provided, single submitter. Criteria: Natera Variant Classification Schema (03/2026). Collection method: clinical testing. Allele origin: germline.
Comment: The c.2414C>T variant in PKHD1 is a missense variant predicted to cause substitution of proline to leucine at amino acid 805. This variant is rare in the general population with a frequency below the threshold expected for the associated phenotype(s). This variant has been observed in one or more individuals affected with the associated recessive disease, as either homozygous or compound heterozygous with a second variant (PMID: 16133180, 19940839, 12846734, 15108281). Computational prediction algorithms indicate this variant is likely to affect gene or protein function. Given the available evidence, this variant is classified as Likely Pathogenic.

Blueprint Genetics
Classification: Uncertain significance. Last evaluated: 2024-08-29. Review status: criteria provided, single submitter. Criteria: ACMG Guidelines, 2015. Collection method: clinical testing. Allele origin: germline.

Fulgent Genetics
Classification: Uncertain significance for Polycystic kidney disease 4. Last evaluated: 2024-03-27. Review status: criteria provided, single submitter. Criteria: ACMG Guidelines, 2015. Collection method: clinical testing. Allele origin: germline.

Baylor Genetics
Classification: Uncertain significance for Polycystic kidney disease 4. Last evaluated: 2023-11-16. Review status: criteria provided, single submitter. Criteria: ACMG Guidelines, 2015. Collection method: clinical testing. Allele origin: unknown.

GeneDx
Classification: Likely pathogenic. Last evaluated: 2021-03-22. Review status: criteria provided, single submitter. Criteria: GeneDx Variant Classification Process June 2021. Collection method: clinical testing. Allele origin: germline. Affected: yes.
Comment: Not observed at a significant frequency in large population cohorts (Lek et al., 2016); In silico analysis supports that this missense variant has a deleterious effect on protein structure/function; This variant is associated with the following publications: (PMID: 30507656, 30650191, 19940839, 18503009, 15108281, 16133180, 15698423, 12846734, 19914852, 15108277, 12506140)

Mayo Clinic Laboratories, Mayo Clinic
Classification: Likely pathogenic. Last evaluated: 2019-11-25. Review status: criteria provided, single submitter. Criteria: ACMG Guidelines, 2015. Collection method: clinical testing. Allele origin: germline. Observed: 1 variant allele.
Comment: PM2, PM3, PP1, PP4, PP5

Cambridge Genomics Laboratory, East Genomic Laboratory Hub, NHS Genomic Medicine Service
Classification: Uncertain significance for Biliary tract abnormality. Last evaluated: 2019-06-03. Review status: criteria provided, single submitter. Criteria: ACGS Best Practice Guidelines for Variant Classification in Rare Disease 2020. Collection method: clinical testing. Allele origin: germline. Affected: yes. Observed: 1 variant allele.

NM_138694.4(PKHD1):c.2414C>T (p.Pro805Leu)

Gene: PKHD1 (PKHD1 ciliary IPT domain containing fibrocystin/polyductin; minus strand). Cytogenetic location: 6p12.2.
Variant type: single nucleotide variant.
Coding change: c.2414C>T on transcript NM_138694.4 (MANE Select); coding-DNA position 2414, C replaced by T.
Protein change: p.Pro805Leu; replaces proline 805 with leucine.
Molecular consequence: missense variant.
Genome position (GRCh38, 1-based): chr6:52,046,182, G>A on the plus strand (C>T on the coding strand, the complement: PKHD1 is on the minus strand). VCF-style: chr6-52046182-G-A. GRCh37 (hg19) VCF-style: chr6-51910980-G-A.
Other names: c.2414C>T, p.Pro805Leu (NM_170724.3); short protein forms P805L.
Identifiers: ClinVar variation 377354 (VCV000377354.33), dbSNP rs199531851, ClinGen allele CA3853210.